The following is an entry in ClinVar:

NM_020632.3(ATP6V0A4):c.1238G>A (p.Gly413Asp)

Gene: ATP6V0A4 (ATPase H+ transporting V0 subunit a4; minus strand). Cytogenetic location: 7q34.
Variant type: single nucleotide variant.
Coding change: c.1238G>A on transcript NM_020632.3 (MANE Select); coding-DNA position 1238, G replaced by A.
Protein change: p.Gly413Asp; replaces glycine 413 with aspartic acid.
Molecular consequence: missense variant.
Genome position (GRCh38, 1-based): chr7:138,747,507, C>T on the plus strand (G>A on the coding strand, the complement: ATP6V0A4 is on the minus strand). VCF-style: chr7-138747507-C-T. GRCh37 (hg19) VCF-style: chr7-138432252-C-T.
Other names: c.1238G>A, p.Gly413Asp (NM_130840.3, NM_130841.3); short protein forms G413D.
Identifiers: ClinVar variation 2585551 (VCV002585551.1), dbSNP rs1806011562, ClinGen allele CA369371518.

ClinVar aggregate classification (germline): Uncertain significance (1 of 4 stars; one submission).

Conditions:
Renal tubular acidosis, distal, 3, with or without sensorineural hearing loss (DRTA3). Identifiers: MedGen C5399980, MONDO:0011268, OMIM 602722.

Allele frequency attached by ClinVar (database versions not stated): TOPMed below 0.00001.
gnomAD v4.1: 1 of 1,614,138 alleles (0.000062%); highest among the groups gnomAD compares: Non-Finnish European, 0.000085%; no homozygotes.

Submission:

Neuberg Centre For Genomic Medicine, NCGM
Classification: Uncertain significance for Renal tubular acidosis, distal, 3, with or without sensorineural hearing loss. Review status: criteria provided, single submitter. Criteria: ACMG Guidelines, 2015. Collection method: clinical testing. Allele origin: germline. Inheritance: Autosomal recessive inheritance. Affected: yes.
Comment: The missense variant c.1238G>A (p.Gly413Asp) in ATP6V0A4 gene has not been reported previously as a pathogenic variant nor as a benign variant, to our knowledge. The p.Gly413Asp variant is novel (not in any individuals) in gnomAD Exomes and 1000 Genomes. The amino acid Gly at position 413 is changed to a Asp changing protein sequence and it might alter its composition and physico-chemical properties. The amino acid change p.Gly413Asp in ATP6V0A4 is predicted as conserved by GERP++ and PhyloP across 100 vertebrates. For these reasons, this variant has been classified as Uncertain Significance. In the absence of second reportable variant/CNV, the molecular diagnosis is not confirmed.